The following is an entry in ClinVar:

NM_000465.4(BARD1):c.215+8A>C

Gene: BARD1 (BRCA1 associated RING domain 1; minus strand). Cytogenetic location: 2q35.
Variant type: single nucleotide variant.
Coding change: c.215+8A>C on transcript NM_000465.4 (MANE Select); 8 bases into the intron after coding-DNA position 215, A replaced by C.
Molecular consequence: intron variant.
Genome position (GRCh38, 1-based): chr2:214,797,053, T>G on the plus strand (A>C on the coding strand, the complement: BARD1 is on the minus strand). VCF-style: chr2-214797053-T-G. GRCh37 (hg19) VCF-style: chr2-215661777-T-G.
Other names: c.158+12359A>C (NM_001282548.2); c.159-4608A>C (NM_001282543.2); c.215+8A>C (NM_001282545.2, NM_001282549.2).
Identifiers: ClinVar variation 3379107 (VCV003379107.1).

ClinVar aggregate classification (germline): Likely benign (1 of 4 stars; one submission).

Conditions:
Familial cancer of breast. Also called: hereditary breast carcinoma; Hereditary breast cancer; BREAST CANCER, FAMILIAL. Identifiers: Orphanet 227535, MedGen C0346153, MONDO:0016419, OMIM 114480. Disease mechanism: loss of function.

Submission:

Myriad Genetics, Inc.
Classification: Likely benign for Familial cancer of breast. Last evaluated: 2024-07-18. Review status: criteria provided, single submitter. Criteria: Myriad Autosomal Dominant, Autosomal Recessive and X-Linked Classification Criteria (2023). Collection method: clinical testing. Allele origin: unknown.
Comment: This variant is considered likely benign. This variant is intronic and is not expected to impact mRNA splicing.